The following is an entry in ClinVar:

NM_001164508.2(NEB):c.8409C>G (p.Gly2803=)

Gene: NEB (nebulin; minus strand). Cytogenetic location: 2q23.3.
Variant type: single nucleotide variant.
Coding change: c.8409C>G on transcript NM_001164508.2 (MANE Select); coding-DNA position 8409, C replaced by G.
Protein change: p.Gly2803=; no amino-acid change (glycine 2803 retained).
Molecular consequence: synonymous variant.
Genome position (GRCh38, 1-based): chr2:151,640,631, G>C on the plus strand (C>G on the coding strand, the complement: NEB is on the minus strand). VCF-style: chr2-151640631-G-C. GRCh37 (hg19) VCF-style: chr2-152497145-G-C.
Other names: c.8409C>G, p.Gly2803= (NM_001164507.2, NM_001271208.2, NM_004543.5).
Identifiers: ClinVar variation 3050970 (VCV003050970.2), dbSNP rs2552244153, ClinGen allele CA429452673.

ClinVar aggregate classification (germline): Likely benign (0 of 4 stars; one submission).

Conditions:
NEB-related disorder. Also called: NEB-related condition; NEB-Related Disorders.

Submission:

PreventionGenetics, part of Exact Sciences
Classification: Likely benign for NEB-related condition. Last evaluated: 2022-11-11. Review status: no assertion criteria provided. Collection method: clinical testing. Allele origin: germline.
Comment: This variant is classified as likely benign based on ACMG/AMP sequence variant interpretation guidelines (Richards et al. 2015 PMID: 25741868, with internal and published modifications).